The following is an entry in ClinVar:

ClinVar aggregate classification (germline): Uncertain significance (1 of 4 stars; one submission).

Allele frequency attached by ClinVar (database versions not stated): gnomAD exomes below 0.00001; TOPMed 0.00001; gnomAD 0.00002.
gnomAD v4.1: 6 of 1,614,042 alleles (0.00037%); highest among the groups gnomAD compares: Non-Finnish European, 0.00051%; no homozygotes.

Submission:

Labcorp Genetics (formerly Invitae), Labcorp
Classification: Uncertain significance. Last evaluated: 2025-07-14. Review status: criteria provided, single submitter. Criteria: Invitae Variant Classification Sherloc (09022015). Collection method: clinical testing. Allele origin: germline.
Comment: This sequence change replaces serine, which is neutral and polar, with leucine, which is neutral and non-polar, at codon 1483 of the KMT2E protein (p.Ser1483Leu). This variant is present in population databases (no rsID available, gnomAD 0.007%). This variant has not been reported in the literature in individuals affected with KMT2E-related conditions. ClinVar contains an entry for this variant (Variation ID: 2878237). Invitae Evidence Modeling of protein sequence and biophysical properties (such as structural, functional, and spatial information, amino acid conservation, physicochemical variation, residue mobility, and thermodynamic stability) indicates that this missense variant is not expected to disrupt KMT2E protein function with a negative predictive value of 80%. In summary, the available evidence is currently insufficient to determine the role of this variant in disease. Therefore, it has been classified as a Variant of Uncertain Significance.

NM_182931.3(KMT2E):c.4448C>T (p.Ser1483Leu)

Gene: KMT2E (lysine methyltransferase 2E (inactive); plus strand). Cytogenetic location: 7q22.3.
Variant type: single nucleotide variant.
Coding change: c.4448C>T on transcript NM_182931.3 (MANE Select); coding-DNA position 4448, C replaced by T.
Protein change: p.Ser1483Leu; replaces serine 1483 with leucine.
Molecular consequence: missense variant.
Genome position (GRCh38, 1-based): chr7:105,112,204, C>T. VCF-style: chr7-105112204-C-T. GRCh37 (hg19) VCF-style: chr7-104752651-C-T.
Other names: c.4322C>T, p.Ser1441Leu (NM_001410908.1); c.4448C>T, p.Ser1483Leu (NM_018682.4); short protein forms S1483L, S1441L.
Identifiers: ClinVar variation 2878237 (VCV002878237.3), dbSNP rs1387526100, ClinGen allele CA368792691.